The following is an entry in ClinVar:

ClinVar aggregate classification (germline): Uncertain significance (1 of 4 stars; one submission).

Allele frequency attached by ClinVar (database versions not stated): gnomAD exomes below 0.00001; ExAC 0.00001.

Submission:

Labcorp Genetics (formerly Invitae), Labcorp
Classification: Uncertain significance. Last evaluated: 2021-06-24. Review status: criteria provided, single submitter. Criteria: Invitae Variant Classification Sherloc (09022015). Collection method: clinical testing. Allele origin: germline.
Comment: In summary, the available evidence is currently insufficient to determine the role of this variant in disease. Therefore, it has been classified as a Variant of Uncertain Significance. Algorithms developed to predict the effect of missense changes on protein structure and function (SIFT, PolyPhen-2, Align-GVGD) all suggest that this variant is likely to be tolerated, but these predictions have not been confirmed by published functional studies and their clinical significance is uncertain. This variant has not been reported in the literature in individuals with SLC1A2-related conditions. The frequency data for this variant in the population databases is considered unreliable, as metrics indicate poor data quality at this position in the ExAC database. This sequence change replaces isoleucine with valine at codon 303 of the SLC1A2 protein (p.Ile303Val). The isoleucine residue is highly conserved and there is a small physicochemical difference between isoleucine and valine.

NM_004171.4(SLC1A2):c.907A>G (p.Ile303Val)

Gene: SLC1A2 (solute carrier family 1 member 2; minus strand). Cytogenetic location: 11p13.
Variant type: single nucleotide variant.
Coding change: c.907A>G on transcript NM_004171.4 (MANE Select); coding-DNA position 907, A replaced by G.
Protein change: p.Ile303Val; replaces isoleucine 303 with valine.
Molecular consequence: missense variant.
Genome position (GRCh38, 1-based): chr11:35,292,471, T>C on the plus strand (A>G on the coding strand, the complement: SLC1A2 is on the minus strand). VCF-style: chr11-35292471-T-C. GRCh37 (hg19) VCF-style: chr11-35314018-T-C.
Other names: c.880A>G, p.Ile294Val (NM_001195728.3, NM_001252652.2); short protein forms I294V, I303V.
Identifiers: ClinVar variation 1399900 (VCV001399900.8), dbSNP rs753690107, ClinGen allele CA5947196.